The following is an entry in ClinVar:

NM_001122630.2(CDKN1C):c.601C>T (p.Pro201Ser)

Gene: CDKN1C (cyclin dependent kinase inhibitor 1C; minus strand). Cytogenetic location: 11p15.4.
Variant type: single nucleotide variant.
Coding change: c.601C>T on transcript NM_001122630.2 (MANE Select); coding-DNA position 601, C replaced by T.
Protein change: p.Pro201Ser; replaces proline 201 with serine.
Molecular consequence: missense variant. On other transcripts: intron variant (1).
Genome position (GRCh38, 1-based): chr11:2,884,856, G>A on the plus strand (C>T on the coding strand, the complement: CDKN1C is on the minus strand). VCF-style: chr11-2884856-G-A. GRCh37 (hg19) VCF-style: chr11-2906086-G-A.
Other names: c.634C>T, p.Pro212Ser (NM_000076.2, NM_001362474.2); c.601C>T, p.Pro201Ser (NM_001122631.2); c.255+346C>T (NM_001362475.2); short protein forms P201S, P212S.
Identifiers: ClinVar variation 1716434 (VCV001716434.5), dbSNP rs2494385368, ClinGen allele CA379146185.

ClinVar aggregate classification (germline): Uncertain significance (1 of 4 stars; one submission).

Conditions:
Beckwith-Wiedemann syndrome (BWS). Also called: Exomphalos macroglossia gigantism syndrome; EMG SYNDROME. Identifiers: Orphanet 116, MedGen C0004903, MONDO:0007534, OMIM 130650.

Submission:

Labcorp Genetics (formerly Invitae), Labcorp
Classification: Uncertain significance for Beckwith-Wiedemann syndrome. Last evaluated: 2023-02-20. Review status: criteria provided, single submitter. Criteria: Invitae Variant Classification Sherloc (09022015). Collection method: clinical testing. Allele origin: germline.
Comment: This sequence change replaces proline, which is neutral and non-polar, with serine, which is neutral and polar, at codon 212 of the CDKN1C protein (p.Pro212Ser). The frequency data for this variant in the population databases is considered unreliable, as metrics indicate insufficient coverage at this position in the gnomAD database. This variant has not been reported in the literature in individuals affected with CDKN1C-related conditions. ClinVar contains an entry for this variant (Variation ID: 1716434). Advanced modeling of protein sequence and biophysical properties (such as structural, functional, and spatial information, amino acid conservation, physicochemical variation, residue mobility, and thermodynamic stability) performed at Invitae indicates that this missense variant is not expected to disrupt CDKN1C protein function. In summary, the available evidence is currently insufficient to determine the role of this variant in disease. Therefore, it has been classified as a Variant of Uncertain Significance.